The following is an entry in ClinVar:

ClinVar aggregate classification (germline): Pathogenic (1 of 4 stars; one submission).

Conditions:
Familial adenomatous polyposis 1 (FAP1). Also called: FAMILIAL ADENOMATOUS POLYPOSIS 1, ATTENUATED; POLYPOSIS, ADENOMATOUS INTESTINAL. Identifiers: MedGen C2713442, MONDO:0021056, OMIM 175100. Disease mechanism: loss of function.

Allele frequency attached by ClinVar (database versions not stated): gnomAD exomes below 0.00001.

Submission:

Myriad Genetics, Inc.
Classification: Pathogenic for Familial adenomatous polyposis 1. Last evaluated: 2023-05-02. Review status: criteria provided, single submitter. Criteria: Myriad Autosomal Dominant, Autosomal Recessive and X-Linked Classification Criteria (2023). Collection method: clinical testing. Allele origin: unknown.
Comment: This variant is considered pathogenic. This variant creates a frameshift predicted to result in premature protein truncation.

NM_000038.6(APC):c.1557dup (p.Cys520fs)

Gene: APC (APC regulator of Wnt signaling pathway; plus strand). Cytogenetic location: 5q22.2.
Variant type: Duplication.
Coding change: c.1557dup on transcript NM_000038.6 (MANE Select); coding-DNA position 1557, one base duplicated (A; older notation c.1557dupA).
Protein change: p.Cys520fs; shifts the reading frame from cysteine 520.
Molecular consequence: frameshift variant.
Genome position (GRCh38, 1-based): chr5:112,827,937, A duplicated. VCF-style (leftmost placement, unchanged base first): chr5-112827936-T-TA. GRCh37 (hg19) VCF-style: chr5-112163633-T-TA.
Other names: c.1557dup, p.Cys520fs (NM_001127510.3, NM_001354895.2, NM_001407450.1); c.1503dup, p.Cys502fs (NM_001127511.3); c.1611dup, p.Cys538fs (NM_001354896.2, NM_001407447.1, NM_001407448.1 and 1 more transcripts); c.1587dup, p.Cys530fs (NM_001354897.2); c.1482dup, p.Cys495fs (NM_001354898.2); c.1473dup, p.Cys492fs (NM_001354899.2); c.1434dup, p.Cys479fs (NM_001354900.2); c.1380dup, p.Cys461fs (NM_001354901.2, NM_001407453.1); and 11 more; short protein forms C136fs, C237fs, C360fs, C391fs, C394fs, C419fs, C429fs, C437fs.
Identifiers: ClinVar variation 2583981 (VCV002583981.2), dbSNP rs2533218279, ClinGen allele CA2582341358.
Genomic context (GRCh38, chr5:112,827,936, plus strand): 5'-CTTGGCTTCAAGTTGTCTTTTTAATGATCCTCTATTCTGTATTTAATTTACAGGCTACGC[T>TA]ATGCTCTATGAAAGGCTGCATGAGAGCACTTGTGGCCCAACTAAAATCTGAAAGTGAAGA-3'